The following is an entry in ClinVar:

ClinVar aggregate classification (germline): Uncertain significance. Review status: criteria provided, multiple submitters, no conflicts (2 of 4 stars). 5 submissions from 5 submitters: Uncertain significance (4). 1 of the submissions does not count toward it. Last evaluated 2026-01-07.

Conditions:
Retinoblastoma (RB1). Also called: RETINOBLASTOMA, SOMATIC. Identifiers: Orphanet 790, MedGen C0035335, MeSH D012175, MONDO:0008380, OMIM 180200, HP:0009919. Disease mechanism: loss of function. Inheritance: Both sporadic and heritable forms are tested..
Hereditary cancer-predisposing syndrome. Also called: Neoplastic Syndromes, Hereditary; Tumor predisposition; Hereditary neoplastic syndrome; Hereditary Cancer Syndrome. Identifiers: Orphanet 140162, MedGen C0027672, MeSH D009386, MONDO:0015356.
Gorlin syndrome. Also called: Basal cell nevus syndrome; Nevoid Basal Cell Carcinoma Syndrome. Identifiers: Orphanet 377, MedGen C0004779, MONDO:0007187.
PTCH1-related disorder. Also called: PTCH1-related disorders; PTCH1-related condition.

Allele frequency attached by ClinVar (database versions not stated): ExAC 0.00001; gnomAD exomes 0.00002.
gnomAD v4.1: 27 of 1,611,710 alleles (0.0017%); highest among the groups gnomAD compares: Non-Finnish European, 0.0022%; no homozygotes.

Submissions (5):

Labcorp Genetics (formerly Invitae), Labcorp
Classification: Uncertain significance for Gorlin syndrome. Last evaluated: 2026-01-07. Review status: criteria provided, single submitter. Criteria: Invitae Variant Classification Sherloc (09022015). Collection method: clinical testing. Allele origin: germline.
Comment: This sequence change replaces alanine, which is neutral and non-polar, with valine, which is neutral and non-polar, at codon 70 of the PTCH1 protein (p.Ala70Val). This variant is present in population databases (rs764137082, gnomAD 0.0009%). This variant has not been reported in the literature in individuals affected with PTCH1-related conditions. ClinVar contains an entry for this variant (Variation ID: 620617). Invitae Evidence Modeling of protein sequence and biophysical properties (such as structural, functional, and spatial information, amino acid conservation, physicochemical variation, residue mobility, and thermodynamic stability) has been performed for this missense variant. However, the output from this modeling did not meet the statistical confidence thresholds required to predict the impact of this variant on PTCH1 protein function. In summary, the available evidence is currently insufficient to determine the role of this variant in disease. Therefore, it has been classified as a Variant of Uncertain Significance.

PreventionGenetics, part of Exact Sciences
Classification: Uncertain significance for PTCH1-related condition. Last evaluated: 2025-12-09. Review status: criteria provided, single submitter. Criteria: ACMG Guidelines, 2015. Collection method: clinical testing. Allele origin: germline.
Comment: The PTCH1 c.209C>T variant is predicted to result in the amino acid substitution p.Ala70Val. To our knowledge, this variant has not been reported in the literature or in a large population database (gnomAD), indicating this variant is rare. This variant is interpreted as uncertain in ClinVar (Variation ID: 620617). At this time, the clinical significance of this variant is uncertain due to the absence of conclusive functional and genetic evidence.

Ambry Genetics
Classification: Uncertain significance for Hereditary cancer-predisposing syndrome. Last evaluated: 2025-01-03. Review status: criteria provided, single submitter. Criteria: Ambry Variant Classification Scheme 2023. Collection method: clinical testing. Allele origin: germline.
Comment: The p.A70V variant (also known as c.209C>T), located in coding exon 2 of the PTCH1 gene, results from a C to T substitution at nucleotide position 209. The alanine at codon 70 is replaced by valine, an amino acid with similar properties. This variant was identified in a cohort of 681 ancestrally diverse, healthy subjects (Bodian DL et al. PLoS One, 2014 Apr;9:e94554). This amino acid position is highly conserved in available vertebrate species. In addition, this alteration is predicted to be deleterious by in silico analysis. Since supporting evidence is limited at this time, the clinical significance of this alteration remains unclear.

St. Jude Molecular Pathology, St. Jude Children's Research Hospital
Classification: Uncertain significance for Retinoblastoma. Last evaluated: 2017-03-07. Review status: criteria provided, single submitter. Criteria: ACMG Guidelines, 2015. Collection method: clinical testing. Allele origin: germline. Affected: yes.

Department of Pathology and Laboratory Medicine, Sinai Health System
Classification: Uncertain significance. Review status: no assertion criteria provided. Collection method: clinical testing. Allele origin: unknown. Affected: yes. Study: The Canadian Open Genetics Repository (COGR). Not counted in ClinVar's aggregate classification.
Comment: The PTCH1 p.A70V variant was not identified in the literature but was identified in dbSNP (ID: rs764137082) and ClinVar (classified as uncertain significance by Invitae and St. Jude Children's Research Hospital Clinical Genomics Lab).Â¬â€ The variant was not identified in the following control databases: the 1000 Genomes Project, the NHLBI GO Exome Sequencing Project, or the Genome Aggregation Database (March 6, 2019, v2.1.1).Â¬â€ The p.A70 residue is conserved in mammals and computational analyses (MUT Assesor, PolyPhen-2, SIFT, MutationTaster, Revel, FATHMM, MetaLR, DANN) suggest that the variant may impact the protein; however, this information is not predictive enough to assume pathogenicity.Â¬â€ The variant occurs outside of the splicing consensus sequence and in silico or computational prediction software programs (Splice AI exome) do not predict a difference in splicing.Â¬â€ In summary, based on the above information the clinical significance of this variant cannot be determined with certainty at this time. This variant is classified as a variant of uncertain significance.

Literature cited by the submitters: PubMed 24728327 (cited by Ambry Genetics).

NM_000264.5(PTCH1):c.209C>T (p.Ala70Val)

Gene: PTCH1 (patched 1; minus strand). Cytogenetic location: 9q22.32.
Variant type: single nucleotide variant.
Coding change: c.209C>T on transcript NM_000264.5 (MANE Select); coding-DNA position 209, C replaced by T.
Protein change: p.Ala70Val; replaces alanine 70 with valine.
Molecular consequence: missense variant. On other transcripts: 5 prime UTR variant (4), non-coding transcript variant (1).
Genome position (GRCh38, 1-based): chr9:95,506,592, G>A on the plus strand (C>T on the coding strand, the complement: PTCH1 is on the minus strand). VCF-style: chr9-95506592-G-A. GRCh37 (hg19) VCF-style: chr9-98268874-G-A.
Other names: c.11C>T, p.Ala4Val (NM_001083602.3, NM_001354919.2); c.206C>T, p.Ala69Val (NM_001083603.3); c.-245C>T (NM_001083604.3, NM_001083605.3, NM_001083606.3 and 1 more transcripts); c.209C>T, p.Ala70Val (NM_001354918.2); short protein forms A4V, A70V, A69V.
Identifiers: ClinVar variation 620617 (VCV000620617.18), dbSNP rs764137082, ClinGen allele CA5138999.